The following is an entry in ClinVar:

ClinVar aggregate classification (germline): Uncertain significance (1 of 4 stars; one submission).

Conditions:
Hereditary cancer-predisposing syndrome. Also called: Tumor predisposition; Hereditary Cancer Syndrome; Hereditary neoplastic syndrome; Neoplastic Syndromes, Hereditary. Identifiers: Orphanet 140162, MedGen C0027672, MeSH D009386, MONDO:0015356.

Submission:

Ambry Genetics
Classification: Uncertain significance for Hereditary cancer-predisposing syndrome. Last evaluated: 2024-05-10. Review status: criteria provided, single submitter. Criteria: Ambry Variant Classification Scheme 2023. Collection method: clinical testing. Allele origin: germline.
Comment: The p.N735Y variant (also known as c.2203A>T), located in coding exon 13 of the PMS2 gene, results from an A to T substitution at nucleotide position 2203. The asparagine at codon 735 is replaced by tyrosine, an amino acid with dissimilar properties. This amino acid position is conserved. In addition, the in silico prediction for this alteration is inconclusive. Based on the available evidence, the clinical significance of this variant remains unclear.

NM_000535.7(PMS2):c.2203A>T (p.Asn735Tyr)

Gene: PMS2 (PMS1 homolog 2, mismatch repair system component; minus strand). Cytogenetic location: 7p22.1.
Variant type: single nucleotide variant.
Coding change: c.2203A>T on transcript NM_000535.7 (MANE Select); coding-DNA position 2203, A replaced by T.
Protein change: p.Asn735Tyr; replaces asparagine 735 with tyrosine.
Molecular consequence: missense variant. On other transcripts: non-coding transcript variant (1), intron variant (2).
Genome position (GRCh38, 1-based): chr7:5,978,668, T>A on the plus strand (A>T on the coding strand, the complement: PMS2 is on the minus strand). VCF-style: chr7-5978668-T-A. GRCh37 (hg19) VCF-style: chr7-6018299-T-A.
Other names: c.1798A>T, p.Asn600Tyr (NM_001322003.2, NM_001322004.2, NM_001322005.2 and 14 more transcripts); c.2047A>T, p.Asn683Tyr (NM_001322006.2, NM_001406870.1); c.1885A>T, p.Asn629Tyr (NM_001322007.2, NM_001322008.2, NM_001406876.1 and 1 more transcripts); c.1642A>T, p.Asn548Tyr (NM_001322010.2, NM_001406906.1, NM_001406907.1); c.1270A>T, p.Asn424Tyr (NM_001322011.2, NM_001322012.2); c.1630A>T, p.Asn544Tyr (NM_001322013.2, NM_001406908.1, NM_001406909.1); c.1894A>T, p.Asn632Tyr (NM_001406877.1, NM_001406878.1, NM_001406879.1 and 5 more transcripts); c.1879A>T, p.Asn627Tyr (NM_001406884.1); and 16 more; short protein forms N564Y, N580Y, N613Y, N632Y, N669Y, N679Y, N735Y, N577Y.
Identifiers: ClinVar variation 3308108 (VCV003308108.1).